The following is an entry in ClinVar:

NM_006767.4(LZTR1):c.666C>T (p.Gly222=)

Gene: LZTR1 (leucine zipper like post translational regulator 1; plus strand). Cytogenetic location: 22q11.21.
Variant type: single nucleotide variant.
Coding change: c.666C>T on transcript NM_006767.4 (MANE Select); coding-DNA position 666, C replaced by T.
Protein change: p.Gly222=; no amino-acid change (glycine 222 retained).
Molecular consequence: synonymous variant.
Genome position (GRCh38, 1-based): chr22:20,990,400, C>T. VCF-style: chr22-20990400-C-T. GRCh37 (hg19) VCF-style: chr22-21344689-C-T.
Other names: p.Gly222=.
Identifiers: ClinVar variation 516535 (VCV000516535.42), dbSNP rs35767542, ClinGen allele CA10118585.

ClinVar aggregate classification (germline): Benign/Likely benign. Review status: criteria provided, multiple submitters, no conflicts (2 of 4 stars). 8 submissions from 8 submitters: Benign (5); Likely benign (3). Last evaluated 2026-02-03.

Conditions:
Hereditary cancer-predisposing syndrome. Also called: Neoplastic Syndromes, Hereditary; Hereditary Cancer Syndrome; Tumor predisposition; Hereditary neoplastic syndrome. Identifiers: Orphanet 140162, MedGen C0027672, MeSH D009386, MONDO:0015356.
Cardiovascular phenotype. Identifiers: MedGen CN230736.

Allele frequency attached by ClinVar (database versions not stated): gnomAD exomes 0.00017 and 0.00048; ExAC 0.00055; gnomAD 0.00117 and 0.00122; TOPMed 0.00119; ESP Exome Variant Server 0.00131; 1000 Genomes Project 30x 0.00156; 1000 Genomes Project 0.00160.
gnomAD v4.1: 454 of 1,614,054 alleles (0.028%); highest among the groups gnomAD compares: African/African-American, 0.43%; 1 homozygote.

Submissions (9):

Labcorp Genetics (formerly Invitae), Labcorp
Classification: Benign. Last evaluated: 2026-02-03. Review status: criteria provided, single submitter. Criteria: Invitae Variant Classification Sherloc (09022015). Collection method: clinical testing. Allele origin: germline.

CeGaT Center for Human Genetics Tuebingen
Classification: Likely benign. Last evaluated: 2026-02-01. Review status: criteria provided, single submitter. Criteria: CeGaT Center For Human Genetics Tuebingen Variant Classification Criteria Version 2. Collection method: clinical testing. Allele origin: germline. Affected: yes. Observed: 5 variant alleles.
Comment: LZTR1: BP4, BP7

Mayo Clinic Laboratories, Mayo Clinic
Classification: Likely benign. Last evaluated: 2025-04-07. Review status: criteria provided, single submitter. Criteria: ACMG Guidelines, 2015. Collection method: clinical testing. Allele origin: germline. Observed: 1 variant allele.
Comment: BS1, BP4, BP7

Blueprint Genetics
Classification: Likely benign. Last evaluated: 2024-11-07. Review status: criteria provided, single submitter. Criteria: ACMG Guidelines, 2015. Collection method: clinical testing. Allele origin: germline.

ARUP Laboratories, Molecular Genetics and Genomics, ARUP Laboratories
Classification: Benign. Last evaluated: 2022-04-04. Review status: criteria provided, single submitter. Criteria: ARUP Molecular Germline Variant Investigation Process 2021. Collection method: clinical testing. Allele origin: germline.

Women's Health and Genetics/Laboratory Corporation of America, LabCorp
Classification: Benign. Last evaluated: 2021-05-10. Review status: criteria provided, single submitter. Criteria: LabCorp Variant Classification Summary - May 2015. Collection method: clinical testing. Allele origin: germline.

Ambry Genetics
Classification: Benign for Cardiovascular phenotype; Hereditary cancer-predisposing syndrome. Last evaluated: 2020-08-21. Review status: criteria provided, single submitter. Criteria: Ambry Variant Classification Scheme 2023. Collection method: clinical testing. Allele origin: germline.

GeneDx
Classification: Benign. Last evaluated: 2017-07-07. Review status: criteria provided, single submitter. Criteria: GeneDx Variant Classification (06012015). Collection method: clinical testing. Allele origin: germline. Affected: yes.
Comment: This variant is considered likely benign or benign based on one or more of the following criteria: it is a conservative change, it occurs at a poorly conserved position in the protein, it is predicted to be benign by multiple in silico algorithms, and/or has population frequency not consistent with disease.

Dr. Peter K. Rogan Lab, Western University
No classification provided (evidence only). Condition: Acute myeloid leukemia. Review status: no classification provided. Collection method: in vitro. Allele origin: not applicable. Functional consequence: retained intron. Not counted in ClinVar's aggregate classification.